The following is an entry in ClinVar:

ClinVar aggregate classification (germline): Uncertain significance (1 of 4 stars; one submission).

Conditions:
Giant axonal neuropathy 1 (GAN1). Also called: GIANT AXONAL NEUROPATHY 1, AUTOSOMAL RECESSIVE; GAN-Related Neurodegeneration. Identifiers: Orphanet 643, MedGen C1850386, MONDO:0009749, OMIM 256850.

Allele frequency attached by ClinVar (database versions not stated): TOPMed 0.00002; ExAC 0.00002; gnomAD 0.00002; gnomAD exomes 0.00002.
gnomAD v4.1: 28 of 1,613,600 alleles (0.0017%); highest among the groups gnomAD compares: Admixed American, 0.0067%; no homozygotes.

Submission:

Labcorp Genetics (formerly Invitae), Labcorp
Classification: Uncertain significance for Giant axonal neuropathy 1. Last evaluated: 2022-06-20. Review status: criteria provided, single submitter. Criteria: Invitae Variant Classification Sherloc (09022015). Collection method: clinical testing. Allele origin: germline.
Comment: This sequence change replaces proline, which is neutral and non-polar, with leucine, which is neutral and non-polar, at codon 252 of the GAN protein (p.Pro252Leu). This variant is present in population databases (rs768875907, gnomAD 0.009%). This variant has not been reported in the literature in individuals affected with GAN-related conditions. Algorithms developed to predict the effect of missense changes on protein structure and function (SIFT, PolyPhen-2, Align-GVGD) all suggest that this variant is likely to be tolerated. In summary, the available evidence is currently insufficient to determine the role of this variant in disease. Therefore, it has been classified as a Variant of Uncertain Significance.

NM_022041.4(GAN):c.755C>T (p.Pro252Leu)

Gene: GAN (gigaxonin; plus strand). Cytogenetic location: 16q23.2.
Variant type: single nucleotide variant.
Coding change: c.755C>T on transcript NM_022041.4 (MANE Select); coding-DNA position 755, C replaced by T.
Protein change: p.Pro252Leu; replaces proline 252 with leucine.
Molecular consequence: missense variant.
Genome position (GRCh38, 1-based): chr16:81,356,906, C>T. VCF-style: chr16-81356906-C-T. GRCh37 (hg19) VCF-style: chr16-81390511-C-T.
Other names: c.116C>T, p.Pro39Leu (NM_001377486.1); short protein forms P252L, P39L.
Identifiers: ClinVar variation 1437211 (VCV001437211.5), dbSNP rs768875907, ClinGen allele CA8191464.
Genomic context (GRCh38, chr16:81,356,906, plus strand): 5'-GGGAACAGATGCTGAATGAACCATTAGTACGAGAAATTGTCAAAGAGTGTAGCAATATAC[C>T]GCTCAGCCAGCCGCAGCAAGGGGAGGCGATGCTGGCCAACTTCAAACCCCGGGGCTACTC-3'
Protein context (NP_071324.1, residues 242-262): REIVKECSNI[Pro252Leu]LSQPQQGEAM